The following is an entry in ClinVar:

ClinVar aggregate classification (germline): Uncertain significance. Review status: criteria provided, multiple submitters, no conflicts (2 of 4 stars). 3 submissions from 3 submitters: Uncertain significance (3). Last evaluated 2025-07-02.

Conditions:
Fanconi anemia (FA). Also called: Fanconi's anemia. Identifiers: Orphanet 84, MedGen C0015625, MeSH D005199, MONDO:0019391.
Spermatogenic failure 28. Identifiers: MedGen C4748117, MONDO:0054732, OMIM 618086.
Premature ovarian failure 15. Identifiers: MedGen C4748170, MONDO:0054862, OMIM 618096.

Allele frequency attached by ClinVar (database versions not stated): gnomAD 0.00001; gnomAD exomes 0.00001 and 0.00005; TOPMed 0.00003; ExAC 0.00007; ESP Exome Variant Server 0.00008; 1000 Genomes Project 0.00020; 1000 Genomes Project 30x 0.00031.
gnomAD v4.1: 22 of 1,613,952 alleles (0.0014%); highest among the groups gnomAD compares: South Asian, 0.012%; no homozygotes.

Submissions (3):

Labcorp Genetics (formerly Invitae), Labcorp
Classification: Uncertain significance for Fanconi anemia. Last evaluated: 2025-07-02. Review status: criteria provided, single submitter. Criteria: Invitae Variant Classification Sherloc (09022015). Collection method: clinical testing. Allele origin: germline.
Comment: This sequence change replaces proline, which is neutral and non-polar, with leucine, which is neutral and non-polar, at codon 1812 of the FANCM protein (p.Pro1812Leu). This variant is present in population databases (rs200095329, gnomAD 0.01%). This variant has not been reported in the literature in individuals affected with FANCM-related conditions. ClinVar contains an entry for this variant (Variation ID: 846233). An algorithm developed to predict the effect of missense changes on protein structure and function outputs the following: PolyPhen-2: "Benign". The leucine amino acid residue is found in multiple mammalian species, which suggests that this missense change does not adversely affect protein function. In summary, the available evidence is currently insufficient to determine the role of this variant in disease. Therefore, it has been classified as a Variant of Uncertain Significance.

GeneDx
Classification: Uncertain significance. Last evaluated: 2024-03-15. Review status: criteria provided, single submitter. Criteria: GeneDx Variant Classification Process June 2021. Collection method: clinical testing. Allele origin: germline. Affected: yes.
Comment: Not observed at significant frequency in large population cohorts (gnomAD); In silico analysis supports that this missense variant has a deleterious effect on protein structure/function; Has not been previously published as pathogenic or benign to our knowledge

Fulgent Genetics
Classification: Uncertain significance for Spermatogenic failure 28; Premature ovarian failure 15. Last evaluated: 2022-05-03. Review status: criteria provided, single submitter. Criteria: ACMG Guidelines, 2015. Collection method: clinical testing. Allele origin: unknown.

NM_020937.4(FANCM):c.5435C>T (p.Pro1812Leu)

Gene: FANCM (FA complementation group M; plus strand). Cytogenetic location: 14q21.2.
Variant type: single nucleotide variant.
Coding change: c.5435C>T on transcript NM_020937.4 (MANE Select); coding-DNA position 5435, C replaced by T.
Protein change: p.Pro1812Leu; replaces proline 1812 with leucine.
Molecular consequence: missense variant.
Genome position (GRCh38, 1-based): chr14:45,196,266, C>T. VCF-style: chr14-45196266-C-T. GRCh37 (hg19) VCF-style: chr14-45665469-C-T.
Other names: c.5357C>T, p.Pro1786Leu (NM_001308133.2); short protein forms P1786L, P1812L.
Identifiers: ClinVar variation 846233 (VCV000846233.11), dbSNP rs200095329, ClinGen allele CA7170004.